The following is an entry in ClinVar:

NM_001453.3(FOXC1):c.820C>T (p.Pro274Ser)

Gene: FOXC1 (forkhead box C1; plus strand). Cytogenetic location: 6p25.3.
Variant type: single nucleotide variant.
Coding change: c.820C>T on transcript NM_001453.3 (MANE Select); coding-DNA position 820, C replaced by T.
Protein change: p.Pro274Ser; replaces proline 274 with serine.
Molecular consequence: missense variant.
Genome position (GRCh38, 1-based): chr6:1,611,265, C>T. VCF-style: chr6-1611265-C-T. GRCh37 (hg19) VCF-style: chr6-1611500-C-T.
Other names: c.820C>T (NM_001453.2); short protein forms P274S.
Identifiers: ClinVar variation 1358696 (VCV001358696.7), dbSNP rs769224835, ClinGen allele CA3614826.
Genomic context (GRCh38, chr6:1,611,265, plus strand): 5'-GTGCCCAAGATCGAGAGCCCCGACAGCAGCAGCAGCAGCCTGTCCAGCGGGAGCAGCCCC[C>T]CGGGCAGCCTGCCGTCGGCGCGGCCGCTCAGCCTGGACGGTGCGGATTCCGCGCCGCCGC-3'
Protein context (NP_001444.2, residues 264-284): SSSLSSGSSP[Pro274Ser]GSLPSARPLS

ClinVar aggregate classification (germline): Uncertain significance. Review status: criteria provided, multiple submitters, no conflicts (2 of 4 stars). 2 submissions from 2 submitters: Uncertain significance (2). Last evaluated 2026-03-02.

Conditions:
Axenfeld-Rieger syndrome type 3 (RIEG3). Also called: AXENFELD-RIEGER ANOMALY WITH CARDIAC DEFECTS AND/OR SENSORINEURAL HEARING LOSS. Identifiers: Orphanet 782, MedGen C2678503, MONDO:0011233, OMIM 602482.
FOXC1-related disorder. Also called: FOXC1-related condition.

Allele frequency attached by ClinVar (database versions not stated): gnomAD exomes 0.00002.

Submissions (2):

PreventionGenetics, part of Exact Sciences
Classification: Uncertain significance for FOXC1-related condition. Last evaluated: 2026-03-02. Review status: criteria provided, single submitter. Criteria: ACMG Guidelines, 2015. Collection method: clinical testing. Allele origin: germline.
Comment: The FOXC1 c.820C>T variant is predicted to result in the amino acid substitution p.Pro274Ser. To our knowledge, this variant has not been reported in the literature. This variant is reported in 0.0090% of alleles in individuals of Latino descent in gnomAD. At this time, the clinical significance of this variant is uncertain due to the absence of conclusive functional and genetic evidence.

Labcorp Genetics (formerly Invitae), Labcorp
Classification: Uncertain significance for Axenfeld-Rieger syndrome type 3. Last evaluated: 2022-06-13. Review status: criteria provided, single submitter. Criteria: Invitae Variant Classification Sherloc (09022015). Collection method: clinical testing. Allele origin: germline.
Comment: Algorithms developed to predict the effect of missense changes on protein structure and function (SIFT, PolyPhen-2, Align-GVGD) all suggest that this variant is likely to be tolerated. In summary, the available evidence is currently insufficient to determine the role of this variant in disease. Therefore, it has been classified as a Variant of Uncertain Significance. This variant has not been reported in the literature in individuals affected with FOXC1-related conditions. The frequency data for this variant in the population databases is considered unreliable, as metrics indicate poor data quality at this position in the gnomAD database. This sequence change replaces proline, which is neutral and non-polar, with serine, which is neutral and polar, at codon 274 of the FOXC1 protein (p.Pro274Ser).